The following is an entry in ClinVar:

NM_000789.4(ACE):c.444_445insTTAGC (p.Arg149fs)

Gene: ACE (angiotensin I converting enzyme; plus strand). Cytogenetic location: 17q23.3.
Variant type: Insertion.
Coding change: c.444_445insTTAGC on transcript NM_000789.4 (MANE Select); coding-DNA positions 444 to 445, TTAGC inserted.
Protein change: p.Arg149fs; shifts the reading frame from arginine 149.
Molecular consequence: frameshift variant. On other transcripts: intron variant (2).
Genome position: GRCh38 VCF-style: chr17-63479030-G-GAGCTT. GRCh37 (hg19) VCF-style: chr17-61556391-G-GAGCTT.
Other names: c.-198+935_-198+936insTTAGC (NM_001382701.1); c.182+935_182+936insTTAGC (NM_001382700.1); short protein forms R149fs.
Identifiers: ClinVar variation 2712424 (VCV002712424.8), dbSNP rs778759606, ClinGen allele CA8699073.
Genomic context (GRCh38, chr17:63,479,030, plus strand): 5'-CTGGTCACTGGAGCATTCCTCCCCTCTGACTCCCCAGTACAACGCCCTGCTAAGCAACAT[G>GAGCTT]AGCAGGATCTACTCCACCGCCAAGGTCTGCCTCCCCAACAAGACTGCCACCTGCTGGTCC-3'

ClinVar aggregate classification (germline): Pathogenic. Review status: criteria provided, multiple submitters, no conflicts (2 of 4 stars). 4 submissions from 4 submitters: Pathogenic (3). 1 of the submissions does not count toward it. Last evaluated 2026-04-07.

Conditions:
Microvascular complications of diabetes, susceptibility to, 3. Identifiers: MedGen C2675470, MONDO:0012963, OMIM 612624.
Hemorrhage, intracerebral, susceptibility to (ICH). Also called: Stroke, hemorrhagic, susceptibility to. Identifiers: MedGen C3281105, MONDO:0100533, OMIM 614519.
Renal tubular dysgenesis of genetic origin. Also called: PRIMITIVE RENAL TUBULE SYNDROME. Identifiers: Orphanet 97369, MedGen C5681536, MONDO:0009970, OMIM 267430.
ACE-related disorder. Also called: ACE-related disorders; ACE-related condition.

Submissions (4):

GeneDx
Classification: Pathogenic. Last evaluated: 2026-04-07. Review status: criteria provided, single submitter. Criteria: GeneDx Variant Classification Process June 2021. Collection method: clinical testing. Allele origin: germline.
Comment: Frameshift variant predicted to result in protein truncation or nonsense mediated decay in a gene for which loss of function is a known mechanism of disease; Observed in a cohort of individuals with different diseases, including Alzheimer disease, but specific clinical information was not provided (PMID: 38255267); This variant is associated with the following publications: (PMID: 36157508, 22095942, 38255267)

Labcorp Genetics (formerly Invitae), Labcorp
Classification: Pathogenic. Last evaluated: 2025-06-12. Review status: criteria provided, single submitter. Criteria: Invitae Variant Classification Sherloc (09022015). Collection method: clinical testing. Allele origin: germline.
Comment: This sequence change creates a premature translational stop signal (p.Arg149Leufs*54) in the ACE gene. It is expected to result in an absent or disrupted protein product. Loss-of-function variants in ACE are known to be pathogenic (PMID: 22095942). This variant is present in population databases (rs778759606, gnomAD 0.008%). This premature translational stop signal has been observed in individual(s) with renal tubular dysgenesis (PMID: 22095942). ClinVar contains an entry for this variant (Variation ID: 2712424). For these reasons, this variant has been classified as Pathogenic.

Fulgent Genetics
Classification: Pathogenic for Renal tubular dysgenesis of genetic origin; Microvascular complications of diabetes, susceptibility to, 3; Hemorrhage, intracerebral, susceptibility to. Last evaluated: 2024-02-24. Review status: criteria provided, single submitter. Criteria: ACMG Guidelines, 2015. Collection method: clinical testing. Allele origin: germline.

PreventionGenetics, part of Exact Sciences
Classification: Pathogenic for ACE-related condition. Last evaluated: 2024-02-20. Review status: no assertion criteria provided. Collection method: clinical testing. Allele origin: germline. Not counted in ClinVar's aggregate classification.
Comment: The ACE c.444_445insTTAGC variant is predicted to result in a frameshift and premature protein termination (p.Arg149Leufs*54). This variant was reported in the compound heterozygous state in two individuals with renal tubular dysgenesis (Table 2 in Gribouval et al 2012. PubMed ID: 22095942). This variant is reported in 0.0093% of alleles in individuals of European (Non-Finnish) descent in gnomAD. Frameshift variants in ACE are expected to be pathogenic. This variant is interpreted as pathogenic.

Literature cited by the submitters: PubMed 22095942 (cited by Labcorp Genetics (formerly Invitae), Labcorp).